The following is an entry in ClinVar:

ClinVar aggregate classification (germline): Pathogenic (1 of 4 stars; one submission).

Conditions:
Chédiak-Higashi syndrome (CHS). Also called: Chediak-Higashi Syndrome. Identifiers: Orphanet 167, MedGen C0007965, MONDO:0008963, OMIM 214500.

Submission:

Labcorp Genetics (formerly Invitae), Labcorp
Classification: Pathogenic for Chédiak-Higashi syndrome. Last evaluated: 2021-06-20. Review status: criteria provided, single submitter. Criteria: Invitae Variant Classification Sherloc (09022015). Collection method: clinical testing. Allele origin: germline.
Comment: This variant is a gross deletion of the genomic region encompassing exon(s) 4-53 of the LYST gene. The 5' boundary is likely confined to intron 3. The 3' end of this event is unknown as it extends through the termination codon beyond the assayed region for this gene and may encompass additional genes. While this deletion is not anticipated to lead to nonsense mediated decay, it is expected to alter mRNA translation or result in a truncated protein product. For these reasons, this variant has been classified as Pathogenic. This variant disrupts the C-terminus of the LYST protein. Other variant(s) that disrupt this region (Deletion (Exons 23-53), Deletion (Exons 15-53)) have been determined to be pathogenic (Invitae). This suggests that variants that disrupt this region of the protein are likely to be causative of disease. This variant has not been reported in the literature in individuals with LYST-related conditions.

NC_000001.10:g.(?_235826240)_(235976381_?)del

Gene: LYST (lysosomal trafficking regulator; minus strand). Cytogenetic location: 1q42.3.
Variant type: Deletion.
Identifiers: ClinVar variation 1457029 (VCV001457029.4).